The following is an entry in ClinVar:

NM_002769.5(PRSS1):c.408C>T (p.Gly136=)

Genes: PRSS1 (serine protease 1; plus strand), TRB (T cell receptor beta locus; plus strand). Cytogenetic location: 7q34.
Variant type: single nucleotide variant.
Coding change: c.408C>T on transcript NM_002769.5 (MANE Select); coding-DNA position 408, C replaced by T.
Protein change: p.Gly136=; no amino-acid change (glycine 136 retained).
Molecular consequence: synonymous variant. On other transcripts: non-coding transcript variant (5).
Genome position (GRCh38, 1-based): chr7:142,751,981, C>T. VCF-style: chr7-142751981-C-T. GRCh37 (hg19) VCF-style: chr7-142459832-C-T.
Identifiers: ClinVar variation 4862583 (VCV004862583.1).

ClinVar aggregate classification (germline): Uncertain significance (1 of 4 stars; one submission).

Conditions:
Hereditary pancreatitis (PCTT). Also called: Hereditary chronic pancreatitis; PRSS1-Related Hereditary Pancreatitis. Identifiers: Orphanet 676, MedGen C0238339, MONDO:0008185, OMIM 167800.

Submission:

Ambry Genetics
Classification: Uncertain significance for Hereditary pancreatitis. Last evaluated: 2026-04-15. Review status: criteria provided, single submitter. Criteria: Ambry Variant Classification Scheme 2023. Collection method: clinical testing. Allele origin: germline.
Comment: The c.408C>T variant (also known as p.G136G), located in coding exon 3 of the PRSS1 gene, results from a C to T substitution at nucleotide position 408. This nucleotide substitution does not change the glycine at codon 136. This nucleotide position is not well conserved in available vertebrate species. In silico splice site analysis predicts that this alteration may result in the creation or strengthening of a novel splice donor site. Based on the available evidence, the clinical significance of this variant remains unclear.